The following is an entry in ClinVar:

NM_001164178.1(ENTPD1):c.52G>A (p.Glu18Lys)

Genes: ENTPD1 (ectonucleoside triphosphate diphosphohydrolase 1; plus strand), ENTPD1-AS1 (ENTPD1 antisense RNA 1; minus strand), LOC130004411 (ATAC-STARR-seq lymphoblastoid active region 3804; plus strand). Cytogenetic location: 10q24.1.
Variant type: single nucleotide variant.
Coding change: c.52G>A on transcript NM_001164178.1; coding-DNA position 52, G replaced by A.
Protein change: p.Glu18Lys; replaces glutamic acid 18 with lysine.
Molecular consequence: missense variant. On other transcripts: intron variant (4), non-coding transcript variant (1), 5 prime UTR variant (3).
Genome position (GRCh38, 1-based): chr10:95,755,766, G>A. VCF-style: chr10-95755766-G-A. GRCh37 (hg19) VCF-style: chr10-97515523-G-A.
Other names: NC_000010.10:g.97515523G>A; c.37+43773G>A (NM_001440933.1, NM_001440934.1, NM_001098175.2); c.-309+13559G>A (NM_001440938.1); c.-181G>A (NM_001164181.1); c.-355G>A (NM_001312654.1); c.52G>A, p.Glu18Lys (NM_001320916.1, NM_001440935.1, NM_001440936.1); c.-248G>A (NM_001440941.1); short protein forms E18K.
Identifiers: ClinVar variation 547899 (VCV000547899.33), dbSNP rs192954755, ClinGen allele CA5621247.

ClinVar aggregate classification (germline): Conflicting classifications of pathogenicity. Review status: criteria provided, conflicting classifications (1 of 4 stars). 3 submissions from 3 submitters: Uncertain significance (1); Likely benign (2). Last evaluated 2026-09-01.

Conditions:
Hereditary spastic paraplegia 64. Also called: ENTPD1-Related Neurodevelopmental Disorder; Spastic paraplegia 64, autosomal recessive. Identifiers: Orphanet 401810, MedGen C3810289, MONDO:0014303, OMIM 615683.

Allele frequency attached by ClinVar (database versions not stated): 1000 Genomes Project 30x 0.00094; gnomAD 0.00513 and 0.00488; 1000 Genomes Project 0.00120; ESP Exome Variant Server 0.00285; TOPMed 0.00306.
gnomAD v4.1: 9,260 of 1,536,624 alleles (0.6%); highest among the groups gnomAD compares: Non-Finnish European, 0.67%; 37 homozygotes.

Submissions (6):

CeGaT Center for Human Genetics Tuebingen
Classification: Likely benign. Last evaluated: 2026-09-01. Review status: criteria provided, single submitter. Criteria: CeGaT Center For Human Genetics Tuebingen Variant Classification Criteria Version 2. Collection method: clinical testing. Allele origin: germline. Affected: yes. Observed: 18 variant alleles.
Comment: ENTPD1-AS1: BS2; ENTPD1: PP3, BS2

GeneDx
Classification: Likely benign. Last evaluated: 2021-09-12. Review status: criteria provided, single submitter. Criteria: GeneDx Variant Classification Process June 2021. Collection method: clinical testing. Allele origin: germline. Affected: yes.

Mayo Clinic Laboratories, Mayo Clinic
Classification: Uncertain significance for Hereditary spastic paraplegia 64. Last evaluated: 2016-12-29. Review status: criteria provided, single submitter. Criteria: ACMG Guidelines, 2015. Collection method: clinical testing. Allele origin: maternal.

Dr. Peter K. Rogan Lab, Western University
No classification provided (evidence only). Condition: Clear cell carcinoma of kidney. Review status: no classification provided. Collection method: in vitro. Allele origin: not applicable. Functional consequence: retained intron. Not counted in ClinVar's aggregate classification.

Dr. Peter K. Rogan Lab, Western University
No classification provided (evidence only). Condition: Sarcoma. Review status: no classification provided. Collection method: in vitro. Allele origin: not applicable. Functional consequence: retained intron. Not counted in ClinVar's aggregate classification.

Dr. Peter K. Rogan Lab, Western University
No classification provided (evidence only). Condition: Malignant tumor of esophagus. Review status: no classification provided. Collection method: in vitro. Allele origin: not applicable. Functional consequence: retained intron. Not counted in ClinVar's aggregate classification.